The following is an entry in ClinVar:

ClinVar aggregate classification (germline): Uncertain significance (1 of 4 stars; one submission).

gnomAD v4.1: 42 of 1,613,596 alleles (0.0026%); highest among the groups gnomAD compares: South Asian, 0.0088%; no homozygotes.

Submission:

GeneDx
Classification: Uncertain significance. Last evaluated: 2024-11-11. Review status: criteria provided, single submitter. Criteria: GeneDx Variant Classification Process June 2021. Collection method: clinical testing. Allele origin: germline. Affected: yes.
Comment: In silico analysis supports that this missense variant has a deleterious effect on protein structure/function; Has not been previously published as pathogenic or benign to our knowledge

NM_004787.4(SLIT2):c.2176C>T (p.Arg726Cys)

Gene: SLIT2 (slit guidance ligand 2; plus strand). Cytogenetic location: 4p15.31.
Variant type: single nucleotide variant.
Coding change: c.2176C>T on transcript NM_004787.4 (MANE Select); coding-DNA position 2176, C replaced by T.
Protein change: p.Arg726Cys; replaces arginine 726 with cysteine.
Molecular consequence: missense variant.
Genome position (GRCh38, 1-based): chr4:20,542,526, C>T. VCF-style: chr4-20542526-C-T. GRCh37 (hg19) VCF-style: chr4-20544149-C-T.
Other names: c.2164C>T, p.Arg722Cys (NM_001289135.3); c.2152C>T, p.Arg718Cys (NM_001289136.3); short protein forms R718C, R722C, R726C.
Identifiers: ClinVar variation 3899593 (VCV003899593.1).